The following is an entry in ClinVar:

NM_001082486.2(ACD):c.343G>A (p.Glu115Lys)

Gene: ACD (ACD shelterin complex subunit and telomerase recruitment factor; minus strand). Cytogenetic location: 16q22.1.
Variant type: single nucleotide variant.
Coding change: c.343G>A on transcript NM_001082486.2 (MANE Select); coding-DNA position 343, G replaced by A.
Protein change: p.Glu115Lys; replaces glutamic acid 115 with lysine.
Molecular consequence: missense variant.
Genome position (GRCh38, 1-based): chr16:67,659,607, C>T on the plus strand (G>A on the coding strand, the complement: ACD is on the minus strand). VCF-style: chr16-67659607-C-T. GRCh37 (hg19) VCF-style: chr16-67693510-C-T.
Other names: c.343G>A, p.Glu115Lys (NM_001410884.1); c.334G>A, p.Glu112Lys (NM_022914.3); short protein forms E112K, E115K.
Identifiers: ClinVar variation 2452434 (VCV002452434.2), dbSNP rs141113896, ClinGen allele CA396355579.

ClinVar aggregate classification (germline): Uncertain significance (1 of 4 stars; one submission).

Conditions:
Inborn genetic diseases. Identifiers: MedGen C0950123, MeSH D030342.

Submission:

Ambry Genetics
Classification: Uncertain significance for Inborn genetic diseases. Last evaluated: 2022-11-27. Review status: criteria provided, single submitter. Criteria: Ambry Variant Classification Scheme 2023. Collection method: clinical testing. Allele origin: germline.
Comment: The p.E201K variant (also known as c.601G>A), located in coding exon 4 of the ACD gene, results from a G to A substitution at nucleotide position 601. The glutamic acid at codon 201 is replaced by lysine, an amino acid with similar properties. This amino acid position is conserved. In addition, the in silico prediction for this alteration is inconclusive. Since supporting evidence is limited at this time, the clinical significance of this alteration remains unclear.